The following is an entry in ClinVar:

ClinVar aggregate classification (germline): Conflicting classifications of pathogenicity. Review status: criteria provided, conflicting classifications (1 of 4 stars). 6 submissions from 6 submitters: Pathogenic (4); Likely pathogenic (1); Uncertain significance (1). Last evaluated 2025-12-31.

Conditions:
Amyotrophic lateral sclerosis type 4 (ALS4). Also called: AMYOTROPHIC LATERAL SCLEROSIS 4, JUVENILE; NEURONOPATHY, DISTAL HEREDITARY MOTOR, WITH PYRAMIDAL FEATURES. Identifiers: Orphanet 357043, MedGen C1865409, MONDO:0011223, OMIM 602433.
Spinocerebellar ataxia, autosomal recessive, with axonal neuropathy 2 (SCAN2). Also called: Ataxia-ocular apraxia-2; Ataxia with Oculomotor Apraxia Type 2; ATAXIA-OCULOMOTOR APRAXIA 2; Ataxia with Oculomotor Apraxia. Identifiers: Orphanet 64753, MedGen C1853761, MONDO:0018996, OMIM 606002.

Submissions (6):

First Genomix Gene Laboratory, Genetic Diagnostics Department
Classification: Pathogenic for Spinocerebellar ataxia, autosomal recessive, with axonal neuropathy 2. Last evaluated: 2025-12-31. Review status: criteria provided, single submitter. Criteria: ACMG Guidelines, 2015. Collection method: clinical testing. Allele origin: germline. Inheritance: Autosomal recessive inheritance. Affected: no. Observed: 1 variant allele.

Labcorp Genetics (formerly Invitae), Labcorp
Classification: Pathogenic for Amyotrophic lateral sclerosis type 4; Spinocerebellar ataxia, autosomal recessive, with axonal neuropathy 2. Last evaluated: 2024-08-28. Review status: criteria provided, single submitter. Criteria: Invitae Variant Classification Sherloc (09022015). Collection method: clinical testing. Allele origin: germline.
Comment: This sequence change creates a premature translational stop signal (p.Thr2283Lysfs*32) in the SETX gene. It is expected to result in an absent or disrupted protein product. Loss-of-function variants in SETX are known to be pathogenic (PMID: 14770181). The frequency data for this variant in the population databases is considered unreliable, as metrics indicate poor data quality at this position in the gnomAD database. This premature translational stop signal has been observed in individuals with autosomal recessive ataxia with oculomotor apraxia (PMID: 19141356, 24814856). ClinVar contains an entry for this variant (Variation ID: 95668). For these reasons, this variant has been classified as Pathogenic.

Mendelics
Classification: Uncertain significance for Amyotrophic lateral sclerosis type 4. Last evaluated: 2023-09-11. Review status: criteria provided, single submitter. Criteria: Mendelics Assertion Criteria 2017. Collection method: clinical testing. Allele origin: unknown.

Genome-Nilou Lab
Classification: Likely pathogenic for Spinocerebellar ataxia, autosomal recessive, with axonal neuropathy 2. Last evaluated: 2023-02-08. Review status: criteria provided, single submitter. Criteria: ACMG Guidelines, 2015. Collection method: clinical testing. Allele origin: germline.

Mayo Clinic Laboratories, Mayo Clinic
Classification: Pathogenic. Last evaluated: 2020-07-10. Review status: criteria provided, single submitter. Criteria: ACMG Guidelines, 2015. Collection method: clinical testing. Allele origin: germline. Observed: 1 variant allele.
Comment: PVS1, PS4_moderate, PM2

Eurofins Ntd Llc (ga)
Classification: Pathogenic. Last evaluated: 2012-08-14. Review status: criteria provided, single submitter. Criteria: EGL Classification Definitions. Collection method: clinical testing. Allele origin: germline. Observed: 1 variant allele, 1 homozygote.

Literature cited by the submitters: PubMed 14770181 (cited by Labcorp Genetics (formerly Invitae), Labcorp); PubMed 19141356 (cited by Labcorp Genetics (formerly Invitae), Labcorp and Mayo Clinic Laboratories, Mayo Clinic); PubMed 24814856 (cited by Labcorp Genetics (formerly Invitae), Labcorp and Mayo Clinic Laboratories, Mayo Clinic).

NM_015046.7(SETX):c.6848_6851del

Gene: SETX (senataxin; minus strand). Cytogenetic location: 9q34.13.
Variant type: Microsatellite.
Coding change: c.6848_6851del on transcript NM_015046.7 (MANE Select); coding-DNA positions 6848 to 6851, 4 bases deleted (CAGA; older notation c.6848_6851delCAGA).
Molecular consequence: splice acceptor variant.
Genome position (GRCh38, 1-based): chr9:132,277,144-132,277,147, TCTG deleted on the plus strand (CAGA on the coding strand, the reverse complement: SETX is on the minus strand); deleting any 4 consecutive bases within chr9:132,277,144-132,277,156 gives the same sequence; the c. name uses the placement nearest the transcript's 3' end. VCF-style (leftmost placement, unchanged base first): chr9-132277143-TTCTG-T. GRCh37 (hg19) VCF-style: chr9-135152530-TTCTG-T.
Other names: c.6848_6851del (NM_015046.5).
Identifiers: ClinVar variation 95668 (VCV000095668.25), ClinGen allele CA223172.